The following is an entry in ClinVar:

NM_001353921.2(ARHGEF9):c.1543T>C (p.Phe515Leu)

Gene: ARHGEF9 (Cdc42 guanine nucleotide exchange factor 9; minus strand). Cytogenetic location: Xq11.1.
Variant type: single nucleotide variant.
Coding change: c.1543T>C on transcript NM_001353921.2 (MANE Select); coding-DNA position 1543, T replaced by C.
Protein change: p.Phe515Leu; replaces phenylalanine 515 with leucine.
Molecular consequence: missense variant. On other transcripts: 3 prime UTR variant (2).
Genome position (GRCh38, 1-based): chrX:63,638,057, A>G on the plus strand (T>C on the coding strand, the complement: ARHGEF9 is on the minus strand). VCF-style: chrX-63638057-A-G. GRCh37 (hg19) VCF-style: chrX-62857937-A-G.
Other names: c.1363T>C, p.Phe455Leu (NM_001173479.2); c.1216T>C, p.Phe406Leu (NM_001173480.2, NM_001369042.1); c.1459T>C, p.Phe487Leu (NM_001330495.2, NM_001369033.1, NM_001369034.1 and 4 more transcripts); c.1411T>C, p.Phe471Leu (NM_001353922.2); c.1561T>C, p.Phe521Leu (NM_001353923.1); c.1342T>C, p.Phe448Leu (NM_001353924.2, NM_001353926.2, NM_001369039.1 and 1 more transcripts); c.1327T>C, p.Phe443Leu (NM_001353927.2, NM_001369041.1); c.1390T>C, p.Phe464Leu (NM_001353928.2); and 3 more; short protein forms F326L, F406L, F443L, F448L, F455L, F464L, F471L, F487L.
Identifiers: ClinVar variation 3371774 (VCV003371774.1).

ClinVar aggregate classification (germline): Uncertain significance (1 of 4 stars; one submission).

Submission:

GeneDx
Classification: Uncertain significance. Last evaluated: 2024-04-08. Review status: criteria provided, single submitter. Criteria: GeneDx Variant Classification Process June 2021. Collection method: clinical testing. Allele origin: germline. Affected: yes.
Comment: Not observed at significant frequency in large population cohorts (gnomAD); In silico analysis indicates that this missense variant does not alter protein structure/function; Has not been previously published as pathogenic or benign to our knowledge